The following is an entry in ClinVar:

ClinVar aggregate classification (germline): Uncertain significance (1 of 4 stars; one submission).

Submission:

GeneDx
Classification: Uncertain significance. Last evaluated: 2026-06-13. Review status: criteria provided, single submitter. Criteria: GeneDx Variant Classification Process June 2021. Collection method: clinical testing. Allele origin: germline.
Comment: Not observed at significant frequency in large population cohorts (gnomAD); Frameshift variant predicted to result in protein truncation or nonsense mediated decay in a gene or region of a gene for which loss of function is not a well-established mechanism of disease; Has not been previously published as pathogenic or benign to our knowledge

NM_001394062.1(MACF1):c.20592del (p.Glu6866fs)

Gene: MACF1 (microtubule actin crosslinking factor 1; plus strand). Cytogenetic location: 1p34.3.
Variant type: Deletion.
Coding change: c.20592del on transcript NM_001394062.1 (MANE Select); coding-DNA position 20592, one base deleted (G; older notation c.20592delG).
Protein change: p.Glu6866fs; shifts the reading frame from glutamic acid 6866.
Molecular consequence: frameshift variant.
Genome position (GRCh38, 1-based): chr1:39,452,329, G deleted; the last of 2 consecutive G bases (chr1:39,452,328-39,452,329); deleting either gives the same sequence. VCF-style (leftmost placement, unchanged base first): chr1-39452327-CG-C. GRCh37 (hg19) VCF-style: chr1-39917999-CG-C.
Other names: c.8670del, p.Glu2892fs (NM_001397473.1); c.14415del, p.Glu4807fs (NM_012090.5); short protein forms E2892fs, E4807fs, E6866fs.
Identifiers: ClinVar variation 3252521 (VCV003252521.2), dbSNP rs2523262068.